The following is an entry in ClinVar:

ClinVar aggregate classification (germline): Pathogenic. Review status: reviewed by expert panel (3 of 4 stars). 5 submissions from 5 submitters: Pathogenic (1). 4 of the submissions do not count toward it. Last evaluated 2019-05-10.

Conditions:
Noonan syndrome and Noonan-related syndrome. Identifiers: Orphanet 98733, MedGen C5681679, MONDO:0020297.
RASopathy. Also called: rasopathies; Noonan spectrum disorder. Identifiers: Orphanet 536391, MedGen C5555857, MONDO:0021060.
Noonan syndrome (NS). Also called: Noonan's syndrome. Identifiers: Orphanet 648, MedGen C0028326, MeSH D009634, MONDO:0018997. Disease mechanism: gain of function.

Submissions (5):

ClinGen RASopathy Variant Curation Expert Panel
Classification: Pathogenic for Noonan syndrome and Noonan-related syndrome. Last evaluated: 2019-05-10. Review status: reviewed by expert panel. Criteria: ClinGen RASopathy ACMG Specifications v1. Collection method: curation. Allele origin: germline. Inheritance: Autosomal dominant inheritance.
Comment: The c.741T>G (p.Phe247Leu) variant in BRAF has been reported in the literature as a confirmed and unconfirmed de novo occurrence in 2 patients with clinical features of a RASopathy (PM6, PS2, PS4_Supporting; GeneDx internal data; GTR Lab ID 26957; SCV000077236.10). In vitro functional studies provide some evidence that the p.Phe247Leu variant may impact protein function (PS3; PMID: 28512244). Furthermore, the variant is in a location that has been defined by the ClinGen RASopathy Expert Panel to be a mutational hotspot or domain of BRAF (PM1; PMID 29493581). This variant was absent from large population studies (PM2; gnomAD). The variant is located in the BRAF gene, which has been defined by the ClinGen RASopathy Expert Panel as a gene with a low rate of benign missense variants and pathogenic missense variants are common (PP2; PMID: 29493581). Computational prediction tools and conservation analysis suggest that the p.Phe247Leu variant may impact the protein (PP3). In summary, this variant meets criteria to be classified as pathogenic for RASopathies in an autosomal dominant manner. Rasopathy-specific ACMG/AMP criteria applied (PMID:29493581): PM6, PS2, PS3, PM1, PM2, PP2, PP3, PS4_Supporting.

GeneDx
Classification: Pathogenic. Last evaluated: 2023-07-07. Review status: criteria provided, single submitter. Criteria: GeneDx Variant Classification Process June 2021. Collection method: clinical testing. Allele origin: germline. Affected: yes. Not counted in ClinVar's aggregate classification.
Comment: Published functional studies demonstrate the variant promotes cell growth and activates MAPK signaling (Lu et al., 2017); Not observed at significant frequency in large population cohorts (gnomAD); Missense variants in this gene are often considered pathogenic (HGMD); In silico analysis supports that this missense variant has a deleterious effect on protein structure/function; This variant is associated with the following publications: (PMID: 26243863, 31515458, 33726816, 35524774, 34184037, 35624529, 24957944, 15488754, 16439621, 15520807, 17603483, 29493581, 33040082, 27478437, 29533785, 28512244)

ARUP Laboratories, Molecular Genetics and Genomics, ARUP Laboratories
Classification: Pathogenic. Last evaluated: 2023-01-26. Review status: criteria provided, single submitter. Criteria: ARUP Molecular Germline Variant Investigation Process 2024. Collection method: clinical testing. Allele origin: germline. Not counted in ClinVar's aggregate classification.
Comment: The BRAF c.741T>G; p.Phe247Leu variant (rs397509343), is not reported in the medical literature in individuals with suspected RASopathy; however, this variant was confirmed de novo in an individual included in a cohort of rare diseases where specific phenotype information was not provided (Stranneheim 2021). This variant is reported in ClinVar (Variation ID: 55793) and is absent from the Genome Aggregation Database, indicating it is not a common polymorphism. In vitro functional analyses demonstrate MAPK activation (Lu 2017) which is consistent with the established gain of function disease mechanism for BRAF-related disorders. Additionally, this variant occurs in a known functional domain (Gelb 2018) and other variants at this and neighboring codons (c.739T>C, p.Phe247Leu; c.736G>C, p.Ala246Pro) have been reported in individuals with BRAF-related disorders (Bertola 2020, Niihori 2006). Computational analyses predict that this variant is deleterious (REVEL: 0.816). Based on available information, the c.741T>G; p.Phe247Leu variant is considered to be pathogenic. References: Bertola DR et al. Phenotype-genotype analysis of 242 individuals with RASopathies: 18-year experience of a tertiary center in Brazil. Am J Med Genet C Semin Med Genet. 2020 Dec;184(4):896-911. PMID: 33128510. Gelb BD et al. ClinGen's RASopathy Expert Panel consensus methods for variant interpretation. Genet Med. 2018 Nov;20(11):1334-1345. PMID: 29493581. Lu H et al. Engineering and Functional Characterization of Fusion Genes Identifies Novel Oncogenic Drivers of Cancer. Cancer Res. 2017 Jul 1;77(13):3502-3512. PMID: 28512244. Niihori T et al. Germline KRAS and BRAF mutations in cardio-facio-cutaneous syndrome. Nat Genet. 2006 Mar;38(3):294-6. PMID: 16474404. Stranneheim H et al. Integration of whole genome sequencing into a healthcare setting: high diagnostic rates across multiple clinical entities in 3219 rare disease patients. Genome Med. 2021 Mar 17;13(1):40. PMID: 33726816.

Labcorp Genetics (formerly Invitae), Labcorp
Classification: Pathogenic for RASopathy. Last evaluated: 2021-09-15. Review status: criteria provided, single submitter. Criteria: Invitae Variant Classification Sherloc (09022015). Collection method: clinical testing. Allele origin: germline. Not counted in ClinVar's aggregate classification.
Comment: This sequence change replaces phenylalanine with leucine at codon 247 of the BRAF protein (p.Phe247Leu). The phenylalanine residue is highly conserved and there is a small physicochemical difference between phenylalanine and leucine. This variant is not present in population databases (ExAC no frequency). This missense change has been observed in individuals with clinical features consistent with a RASopathy (PMID: 28512244; Invitae). ClinVar contains an entry for this variant (Variation ID: 55793). Algorithms developed to predict the effect of missense changes on protein structure and function (SIFT, PolyPhen-2, Align-GVGD) all suggest that this variant is likely to be tolerated. For these reasons, this variant has been classified as Pathogenic.

Service de Génétique Moléculaire, Hôpital Robert Debré
Classification: Likely pathogenic for Noonan syndrome. Review status: no assertion criteria provided. Collection method: clinical testing. Allele origin: de novo. Affected: yes. Observed: 1 variant allele. Not counted in ClinVar's aggregate classification.

Literature cited by the submitters: PubMed 28512244 (cited by ClinGen RASopathy Variant Curation Expert Panel and Labcorp Genetics (formerly Invitae), Labcorp).

NM_004333.6(BRAF):c.741T>G (p.Phe247Leu)

Gene: BRAF (B-Raf proto-oncogene, serine/threonine kinase; minus strand). Cytogenetic location: 7q34.
Variant type: single nucleotide variant.
Coding change: c.741T>G on transcript NM_004333.6 (MANE Select); coding-DNA position 741, T replaced by G.
Protein change: p.Phe247Leu; replaces phenylalanine 247 with leucine.
Molecular consequence: missense variant.
Genome position (GRCh38, 1-based): chr7:140,801,531, A>C on the plus strand (T>G on the coding strand, the complement: BRAF is on the minus strand). VCF-style: chr7-140801531-A-C. GRCh37 (hg19) VCF-style: chr7-140501331-A-C.
Other names: p.F247L; NM_004333.4(BRAF):c.741T>G; c.741T>G, p.Phe247Leu (NM_001354609.2, NM_001374244.1, NM_001374258.1 and 4 more transcripts); c.750T>G, p.Phe250Leu (NM_001378467.1); c.639T>G, p.Phe213Leu (NM_001378470.1); c.585T>G, p.Phe195Leu (NM_001378472.1, NM_001378473.1); c.477T>G, p.Phe159Leu (NM_001378475.1); short protein forms F247L, F159L, F195L, F213L, F250L.
Identifiers: ClinVar variation 55793 (VCV000055793.12), dbSNP rs397509343, ClinGen allele CA284654.